The following is an entry in ClinVar:

ClinVar aggregate classification (germline): Uncertain significance (1 of 4 stars; one submission).

Conditions:
Inborn genetic diseases. Identifiers: MedGen C0950123, MeSH D030342.

Submission:

Ambry Genetics
Classification: Uncertain significance for Inborn genetic diseases. Last evaluated: 2025-11-11. Review status: criteria provided, single submitter. Criteria: Ambry Variant Classification Scheme 2023. Collection method: clinical testing. Allele origin: germline.
Comment: The p.A209V variant (also known as c.626C>T), located in coding exon 1 of the SH2B3 gene, results from a C to T substitution at nucleotide position 626. The alanine at codon 209 is replaced by valine, an amino acid with similar properties. This amino acid position is conserved. In addition, this alteration is predicted to be tolerated by in silico analysis. Based on the available evidence, the clinical significance of this variant remains unclear.

NM_005475.3(SH2B3):c.626C>T (p.Ala209Val)

Gene: SH2B3 (SH2B adaptor protein 3; plus strand). Cytogenetic location: 12q24.12.
Variant type: single nucleotide variant.
Coding change: c.626C>T on transcript NM_005475.3 (MANE Select); coding-DNA position 626, C replaced by T.
Protein change: p.Ala209Val; replaces alanine 209 with valine.
Molecular consequence: missense variant.
Genome position (GRCh38, 1-based): chr12:111,418,771, C>T. VCF-style: chr12-111418771-C-T. GRCh37 (hg19) VCF-style: chr12-111856575-C-T.
Other names: short protein forms A209V.
Identifiers: ClinVar variation 4630751 (VCV004630751.1).
Genomic context (GRCh38, chr12:111,418,771, plus strand): 5'-GGGAGCCGCCACCCGAGGCGCTGAAGGAGGCGGTGCTGCGCTACAGCCTGGCCGACGAGG[C>T]CTCCATGGACAGCGGGGCACGCTGGCAGCGCGGGAGGCTGGCGCTGCGCCGGGCCCCGGG-3'
Protein context (NP_005466.1, residues 199-219): AVLRYSLADE[Ala209Val]SMDSGARWQR